The following is an entry in ClinVar:

ClinVar aggregate classification (germline): Uncertain significance (1 of 4 stars; one submission).

Conditions:
KMT2C-related disorder. Also called: KMT2C-related condition; KMT2C-related disorders.

Submission:

PreventionGenetics, part of Exact Sciences
Classification: Uncertain significance for KMT2C-related condition. Last evaluated: 2026-01-11. Review status: criteria provided, single submitter. Criteria: ACMG Guidelines, 2015. Collection method: clinical testing. Allele origin: germline.
Comment: The KMT2C c.11853C>G variant is predicted to result in the amino acid substitution p.Phe3951Leu. To our knowledge, this variant has not been reported in the literature or in a large population database (gnomAD), indicating this variant is rare. At this time, the clinical significance of this variant is uncertain due to the absence of conclusive functional and genetic evidence.

NM_170606.3(KMT2C):c.11853C>G (p.Phe3951Leu)

Gene: KMT2C (lysine methyltransferase 2C; minus strand). Cytogenetic location: 7q36.1.
Variant type: single nucleotide variant.
Coding change: c.11853C>G on transcript NM_170606.3 (MANE Select); coding-DNA position 11853, C replaced by G.
Protein change: p.Phe3951Leu; replaces phenylalanine 3951 with leucine.
Molecular consequence: missense variant.
Genome position (GRCh38, 1-based): chr7:152,156,017, G>C on the plus strand (C>G on the coding strand, the complement: KMT2C is on the minus strand). VCF-style: chr7-152156017-G-C. GRCh37 (hg19) VCF-style: chr7-151853102-G-C.
Other names: short protein forms F3951L.
Identifiers: ClinVar variation 4985121 (VCV004985121.1).